The following is an entry in ClinVar:

NM_003185.4(TAF4):c.458C>T (p.Ala153Val)

Gene: TAF4 (TATA-box binding protein associated factor 4; minus strand). Cytogenetic location: 20q13.33.
Variant type: single nucleotide variant.
Coding change: c.458C>T on transcript NM_003185.4 (MANE Select); coding-DNA position 458, C replaced by T.
Protein change: p.Ala153Val; replaces alanine 153 with valine.
Molecular consequence: missense variant.
Genome position (GRCh38, 1-based): chr20:62,065,353, G>A on the plus strand (C>T on the coding strand, the complement: TAF4 is on the minus strand). VCF-style: chr20-62065353-G-A. GRCh37 (hg19) VCF-style: chr20-60640409-G-A.
Other names: c.458C>T (NM_003185.3); short protein forms A153V.
Identifiers: ClinVar variation 2771969 (VCV002771969.2), dbSNP rs1192187788, ClinGen allele CA409520479.
Genomic context (GRCh38, chr20:62,065,353, plus strand): 5'-CCGGGGCCGGCGCGGGCGGCCAGCGCGGCGGGGCCGGCGGGCTTGGCGGGGCCGGCGGGG[G>A]CGGGCTCGGGCCCCGCGGCGACGGCGGCGGCGGCGGGCACCGGGGCGCAGGACCCCGCGC-3'
Protein context (NP_003176.2, residues 143-163): AAAVAAGPEP[Ala153Val]PAGPAKPAGP

ClinVar aggregate classification (germline): Uncertain significance. Review status: criteria provided, multiple submitters, no conflicts (2 of 4 stars). 2 submissions from 2 submitters: Uncertain significance (2). Last evaluated 2025-02-09.

Conditions:
Inborn genetic diseases. Identifiers: MedGen C0950123, MeSH D030342.

gnomAD v4.1: 50 of 968,728 alleles (0.0052%); highest among the groups gnomAD compares: Non-Finnish European, 0.006%; no homozygotes.

Submissions (2):

Ambry Genetics
Classification: Uncertain significance for Inborn genetic diseases. Last evaluated: 2025-02-09. Review status: criteria provided, single submitter. Criteria: Ambry Variant Classification Scheme 2023. Collection method: clinical testing. Allele origin: germline.

Labcorp Genetics (formerly Invitae), Labcorp
Classification: Uncertain significance. Last evaluated: 2023-10-27. Review status: criteria provided, single submitter. Criteria: Invitae Variant Classification Sherloc (09022015). Collection method: clinical testing. Allele origin: germline.
Comment: This sequence change replaces alanine, which is neutral and non-polar, with valine, which is neutral and non-polar, at codon 153 of the TAF4 protein (p.Ala153Val). The frequency data for this variant in the population databases is considered unreliable, as metrics indicate insufficient coverage at this position in the gnomAD database. This variant has not been reported in the literature in individuals affected with TAF4-related conditions. Experimental studies and prediction algorithms are not available or were not evaluated, and the functional significance of this variant is currently unknown. In summary, the available evidence is currently insufficient to determine the role of this variant in disease. Therefore, it has been classified as a Variant of Uncertain Significance.